The following is an entry in ClinVar:

NM_001277115.2(DNAH11):c.2231A>G (p.Asp744Gly)

Gene: DNAH11 (dynein axonemal heavy chain 11; plus strand). Cytogenetic location: 7p15.3.
Variant type: single nucleotide variant.
Coding change: c.2231A>G on transcript NM_001277115.2 (MANE Select); coding-DNA position 2231, A replaced by G.
Protein change: p.Asp744Gly; replaces aspartic acid 744 with glycine.
Molecular consequence: missense variant.
Genome position (GRCh38, 1-based): chr7:21,590,979, A>G. VCF-style: chr7-21590979-A-G. GRCh37 (hg19) VCF-style: chr7-21630597-A-G.
Other names: c.2231A>G, p.Asp744Gly (NM_003777.3); short protein forms D744G.
Identifiers: ClinVar variation 1788117 (VCV001788117.2), dbSNP rs772412152, ClinGen allele CA366942033.

ClinVar aggregate classification (germline): Uncertain significance (1 of 4 stars; one submission).

Conditions:
Primary ciliary dyskinesia. Also called: Ciliary dyskinesia. Identifiers: Orphanet 244, MedGen C0008780, MONDO:0016575, HP:0012265.

Allele frequency attached by ClinVar (database versions not stated): TOPMed 0.00001.
gnomAD v4.1: 1 of 1,521,446 alleles (0.000066%); no homozygotes.

Submission:

Ambry Genetics
Classification: Uncertain significance for Primary ciliary dyskinesia. Last evaluated: 2022-10-09. Review status: criteria provided, single submitter. Criteria: Ambry Variant Classification Scheme 2023. Collection method: clinical testing. Allele origin: germline.
Comment: The p.D744G variant (also known as c.2231A>G), located in coding exon 13 of the DNAH11 gene, results from an A to G substitution at nucleotide position 2231. The aspartic acid at codon 744 is replaced by glycine, an amino acid with similar properties. This amino acid position is conserved. In addition, this alteration is predicted to be tolerated by in silico analysis. Since supporting evidence is limited at this time, the clinical significance of this alteration remains unclear.